The following is an entry in ClinVar:

ClinVar aggregate classification (germline): Pathogenic/Likely pathogenic. Review status: criteria provided, multiple submitters, no conflicts (2 of 4 stars). 2 submissions from 2 submitters: Pathogenic (1); Likely pathogenic (1). Last evaluated 2024-11-08.

Conditions:
Ataxia-telangiectasia syndrome (AT). Also called: LOUIS-BAR SYNDROME; Cerebello-oculocutaneous telangiectasia; Immunodeficiency with ataxia telangiectasia; ATAXIA-TELANGIECTASIA, COMPLEMENTATION GROUP A; ATAXIA-TELANGIECTASIA, FRESNO VARIANT; Ataxia-telangiectasia. Identifiers: Orphanet 100, MedGen C0004135, MONDO:0008840, OMIM 208900.
Hereditary cancer-predisposing syndrome. Also called: Tumor predisposition; Hereditary Cancer Syndrome; Neoplastic Syndromes, Hereditary; Hereditary neoplastic syndrome. Identifiers: Orphanet 140162, MedGen C0027672, MeSH D009386, MONDO:0015356.

Submissions (2):

3billion
Classification: Likely pathogenic for Ataxia-telangiectasia syndrome. Last evaluated: 2024-11-08. Review status: criteria provided, single submitter. Criteria: ACMG Guidelines, 2015. Collection method: clinical testing. Allele origin: germline. Affected: yes.
Comment: The variant is not observed in the gnomAD v4.1.0 dataset. Predicted Consequence/Location: Stop-gained (nonsense): predicted to result in a loss or disruption of normal protein function through nonsense-mediated decay (NMD) or protein truncation. Multiple pathogenic variants are reported downstream of the variant. Therefore, this variant is classified as Likely pathogenic according to the recommendation of ACMG/AMP guideline.

Ambry Genetics
Classification: Pathogenic for Hereditary cancer-predisposing syndrome. Last evaluated: 2024-07-12. Review status: criteria provided, single submitter. Criteria: Ambry Variant Classification Scheme 2023. Collection method: clinical testing. Allele origin: germline.
Comment: The p.Y2170* pathogenic mutation (also known as c.6510T>A), located in coding exon 44 of the ATM gene, results from a T to A substitution at nucleotide position 6510. This changes the amino acid from a tyrosine to a stop codon within coding exon 44. This variant is considered to be rare based on population cohorts in the Genome Aggregation Database (gnomAD). This alteration is expected to result in loss of function by premature protein truncation or nonsense-mediated mRNA decay. As such, this alteration is interpreted as a disease-causing mutation.

NM_000051.4(ATM):c.6510T>A (p.Tyr2170Ter)

Genes: ATM (ATM serine/threonine kinase; plus strand), C11orf65 (chromosome 11 open reading frame 65; minus strand). Cytogenetic location: 11q22.3.
Variant type: single nucleotide variant.
Coding change: c.6510T>A on transcript NM_000051.4 (MANE Select); coding-DNA position 6510, T replaced by A.
Protein change: p.Tyr2170Ter; replaces tyrosine 2170 with a stop codon.
Molecular consequence: nonsense. On other transcripts: intron variant (2).
Genome position (GRCh38, 1-based): chr11:108,321,358, T>A. VCF-style: chr11-108321358-T-A. GRCh37 (hg19) VCF-style: chr11-108192085-T-A.
Other names: c.6510T>A, p.Tyr2170Ter (NM_001351834.2); c.641-12287A>T (NM_001330368.2); c.*39-12287A>T (NM_001351110.2); short protein forms Y2170*.
Identifiers: ClinVar variation 3449929 (VCV003449929.2).